The following is an entry in ClinVar:

NM_000517.6(HBA2):c.283G>T (p.Asp95Tyr)

Genes: HBA2 (hemoglobin subunit alpha 2; plus strand), LOC106804612 (hemoglobin subunit alpha 2 recombination region; plus strand). Cytogenetic location: 16p13.3.
Variant type: single nucleotide variant.
Coding change: c.283G>T on transcript NM_000517.6 (MANE Select); coding-DNA position 283, G replaced by T.
Protein change: p.Asp95Tyr; replaces aspartic acid 95 with tyrosine.
Molecular consequence: missense variant.
Genome position (GRCh38, 1-based): chr16:173,312, G>T. VCF-style: chr16-173312-G-T. GRCh37 (hg19) VCF-style: chr16-223311-G-T.
Other names: c.283G>T (NM_000517.4, NM_000517.5); short protein forms D95Y.
Identifiers: ClinVar variation 1679434 (VCV001679434.14), dbSNP rs281864878, ClinGen allele CA276415071.
Genomic context (GRCh38, chr16:173,312, plus strand): 5'-GACGACATGCCCAACGCGCTGTCCGCCCTGAGCGACCTGCACGCGCACAAGCTTCGGGTG[G>T]ACCCGGTCAACTTCAAGGTGAGCGGCGGGCCGGGAGCGATCTGGGTCGAGGGGCGAGATG-3'
Protein context (NP_000508.1, residues 85-105): SDLHAHKLRV[Asp95Tyr]PVNFKLLSHC

ClinVar aggregate classification (germline): Pathogenic/Likely pathogenic. Review status: criteria provided, multiple submitters, no conflicts (2 of 4 stars). 4 submissions from 4 submitters: Pathogenic (1); Likely pathogenic (3). Last evaluated 2025-11-16.

Conditions:
HBA2-related disorders.
alpha Thalassemia. Also called: Alpha thalassemia spectrum. Identifiers: Orphanet 846, MedGen C0002312, MONDO:0011399, OMIM 604131.

Allele frequency attached by ClinVar (database versions not stated): gnomAD exomes below 0.00001.

Submissions (4):

Natera, Inc.
Classification: Likely pathogenic for Alpha thalassemia. Last evaluated: 2025-11-16. Review status: criteria provided, single submitter. Criteria: Natera Variant Classification Schema (03/2026). Collection method: clinical testing. Allele origin: germline.
Comment: The c.283G>T variant in HBA2 is a missense variant predicted to cause substitution of aspartic acid to tyrosine at amino acid 95. This variant is rare in the general population with a frequency below the threshold expected for the associated phenotype(s). This variant has been observed in one or more individuals affected with the associated recessive disease, as either homozygous or compound heterozygous with a second variant (PMID: 26574177, 34951342, 19065338). Additionally, this variant has been observed to segregate in affected family members (PMID: 19065338). Computational prediction algorithms indicate this variant is likely to affect gene or protein function. Given the available evidence, this variant is classified as Likely Pathogenic.

Quest Diagnostics Nichols Institute San Juan Capistrano
Classification: Pathogenic. Last evaluated: 2025-10-02. Review status: criteria provided, single submitter. Criteria: Quest Diagnostics criteria. Collection method: clinical testing. Allele origin: unknown.
Comment: The HBA2 c.283G>T (p.Asp95Tyr) variant, also known as Hb Setif, is reported to exhibit normal or slightly decreased oxygen affinity, but the protein is unstable and has decreased cooperativity (PMID: 598515 (1977), 6674875 (1983), and 26574177 (2015)). Erythrocytes with Hb Setif are reported to undergo pseudosickling in vitro as a result of intracellular crystallization of insoluble hemoglobin (PMID: 598515 (1977), 3593966 (1987), and 25332604 (2014), as well as HbVar and Ithanet). However, heterozygous carriers included those suspected with alpha thalassemia, described as normal, or had a mild thalassemia trait phenotype (PMID: 25818820 (2015), 28160324 (2017), and 29627922 (2018)). Patients homozygous for Hb Setif in an Iranian study were described to have hypochromic microcytic anemia, a phenotype comparable to heterozygous carriers with more severe mutations (PMID: 26574177 (2015)). This variant has not been reported in large, multi-ethnic general populations (Genome Aggregation Database). Analysis of this variant using bioinformatics tools for the prediction of the effect of amino acid changes on protein structure and function yielded predictions that this variant is damaging. Based on the available information, this variant is classified as pathogenic.

ARUP Laboratories, Molecular Genetics and Genomics, ARUP Laboratories
Classification: Likely pathogenic. Last evaluated: 2025-06-25. Review status: criteria provided, single submitter. Criteria: ARUP Molecular Germline Variant Investigation Process 2024. Collection method: clinical testing. Allele origin: germline.
Comment: The Hb Setif variant (HBA2: c.283G>T; p.Asp95Tyr, also known as Asp94Tyr when numbered from the mature protein, rs281864878, HbVar ID: 152) is reported in the literature in the heterozygous state in individuals with mild to no hematological abnormalities (see link to HbVar and references therein), but is also reported in individuals with thalassemia trait (Gilad 2017). Furthermore, this variant has been reported as homozygous in multiple individuals with hypochromic microcytic anemia and normal iron levels based on ferritin (Farashi 2016). This variant is also reported in ClinVar (Variation ID: 1679434), but is absent from the Genome Aggregation Database, indicating it is not a common polymorphism. Computational analyses predict that this variant is deleterious (REVEL: 0.979). This variant is reported as mildly unstable with decreased cooperativity and normal oxygen affinity (Dincol 2003, HbVar). Based on available information, this variant is considered to be likely pathogenic. References: Link to HbVar database: Dincol G et al. Hb Setif (alpha94(G1)Asp --> Tyr (alpha2)) detected in a Turkish family. Hemoglobin. 2003 Nov;27(4):249-52. PMID: 14649316. Farashi S et al. Characterization of Homozygous Hb Setif (HBA2: c.283G>T) in the Iranian Population. Hemoglobin. 2016;40(1):53-5. PMID: 26574177. Gilad O et al. Molecular diagnosis of alpha-thalassemia in a multiethnic population. Eur J Haematol. 2017 Jun;98(6):553-562. PMID: 28160324.

Blueprint Genetics
Classification: Likely pathogenic for HBA2-related disorders. Last evaluated: 2022-06-07. Review status: criteria provided, single submitter. Criteria: ACMG Guidelines, 2015. Collection method: clinical testing. Allele origin: germline. Affected: yes. Observed: 2 variant alleles.

Literature cited by the submitters: PubMed 26574177 (cited by Natera, Inc. and Quest Diagnostics Nichols Institute San Juan Capistrano); PubMed 34951342 (cited by Natera, Inc.); PubMed 19065338 (cited by Natera, Inc.); PubMed 37606495 (cited by Quest Diagnostics Nichols Institute San Juan Capistrano); PubMed 32597250 (cited by Quest Diagnostics Nichols Institute San Juan Capistrano); PubMed 27199182 (cited by Quest Diagnostics Nichols Institute San Juan Capistrano); PubMed 28160324 (cited by Quest Diagnostics Nichols Institute San Juan Capistrano); PubMed 4281477 (cited by Quest Diagnostics Nichols Institute San Juan Capistrano); PubMed 29627922 (cited by Quest Diagnostics Nichols Institute San Juan Capistrano); PubMed 30501529 (cited by Quest Diagnostics Nichols Institute San Juan Capistrano); PubMed 25332604 (cited by Quest Diagnostics Nichols Institute San Juan Capistrano); PubMed 6674875 (cited by Quest Diagnostics Nichols Institute San Juan Capistrano); PubMed 3593966 (cited by Quest Diagnostics Nichols Institute San Juan Capistrano); PubMed 25818820 (cited by Quest Diagnostics Nichols Institute San Juan Capistrano); PubMed 4667378 (cited by Quest Diagnostics Nichols Institute San Juan Capistrano); PubMed 598515 (cited by Quest Diagnostics Nichols Institute San Juan Capistrano).